The following is an entry in ClinVar:

ClinVar aggregate classification (germline): Uncertain significance (1 of 4 stars; one submission).

Submission:

GeneDx
Classification: Uncertain significance. Last evaluated: 2024-12-02. Review status: criteria provided, single submitter. Criteria: GeneDx Variant Classification Process June 2021. Collection method: clinical testing. Allele origin: germline. Affected: yes.
Comment: Not observed at significant frequency in large population cohorts (gnomAD); In silico analysis supports that this missense variant has a deleterious effect on protein structure/function; Has not been previously published as pathogenic or benign to our knowledge

NM_004408.4(DNM1):c.555C>A (p.Asp185Glu)

Genes: DNM1 (dynamin 1; plus strand), LOC113839516 (Sharpr-MPRA regulatory region 8497; plus strand). Cytogenetic location: 9q34.11.
Variant type: single nucleotide variant.
Coding change: c.555C>A on transcript NM_004408.4 (MANE Select); coding-DNA position 555, C replaced by A.
Protein change: p.Asp185Glu; replaces aspartic acid 185 with glutamic acid.
Molecular consequence: missense variant.
Genome position (GRCh38, 1-based): chr9:128,219,218, C>A. VCF-style: chr9-128219218-C-A. GRCh37 (hg19) VCF-style: chr9-130981497-C-A.
Other names: c.555C>A, p.Asp185Glu (NM_001005336.3, NM_001288737.2, NM_001288738.2 and 2 more transcripts); short protein forms D185E.
Identifiers: ClinVar variation 1307817 (VCV001307817.5), dbSNP rs765080648, ClinGen allele CA375011586.